The following is an entry in ClinVar:

NM_025179.4(PLXNA2):c.2278G>A (p.Val760Ile)

Gene: PLXNA2 (plexin A2; minus strand). Cytogenetic location: 1q32.2.
Variant type: single nucleotide variant.
Coding change: c.2278G>A on transcript NM_025179.4 (MANE Select); coding-DNA position 2278, G replaced by A.
Protein change: p.Val760Ile; replaces valine 760 with isoleucine.
Molecular consequence: missense variant.
Genome position (GRCh38, 1-based): chr1:208,084,400, C>T on the plus strand (G>A on the coding strand, the complement: PLXNA2 is on the minus strand). VCF-style: chr1-208084400-C-T. GRCh37 (hg19) VCF-style: chr1-208257745-C-T.
Other names: c.2278G>A (NM_025179.3); short protein forms V760I.
Identifiers: ClinVar variation 2903251 (VCV002903251.5), dbSNP rs749597067, ClinGen allele CA1373588.

ClinVar aggregate classification (germline): Uncertain significance. Review status: criteria provided, multiple submitters, no conflicts (2 of 4 stars). 3 submissions from 3 submitters: Uncertain significance (3). Last evaluated 2026-08-15.

Conditions:
PLXNA2-related disorder. Also called: PLXNA2-related condition.

Allele frequency attached by ClinVar (database versions not stated): gnomAD 0.00001; gnomAD exomes 0.00001; TOPMed 0.00001; ExAC 0.00002.
gnomAD v4.1: 15 of 1,614,142 alleles (0.00093%); highest among the groups gnomAD compares: Admixed American, 0.005%; 1 homozygote.

Submissions (3):

PreventionGenetics, part of Exact Sciences
Classification: Uncertain significance for PLXNA2-related condition. Last evaluated: 2026-08-15. Review status: criteria provided, single submitter. Criteria: ACMG Guidelines, 2015. Collection method: clinical testing. Allele origin: germline.
Comment: The PLXNA2 c.2278G>A variant is predicted to result in the amino acid substitution p.Val760Ile. To our knowledge, this variant has not been reported in the literature. This variant is reported in 0.0087% of alleles in individuals of Latino descent in gnomAD. At this time, the clinical significance of this variant is uncertain due to the absence of conclusive functional and genetic evidence.

Ambry Genetics
Classification: Uncertain significance. Last evaluated: 2024-05-12. Review status: criteria provided, single submitter. Criteria: Ambry Variant Classification Scheme 2023. Collection method: clinical testing. Allele origin: germline.

Labcorp Genetics (formerly Invitae), Labcorp
Classification: Uncertain significance. Last evaluated: 2022-12-09. Review status: criteria provided, single submitter. Criteria: Invitae Variant Classification Sherloc (09022015). Collection method: clinical testing. Allele origin: germline.
Comment: This variant is present in population databases (rs749597067, gnomAD 0.009%). This sequence change replaces valine, which is neutral and non-polar, with isoleucine, which is neutral and non-polar, at codon 760 of the PLXNA2 protein (p.Val760Ile). This variant has not been reported in the literature in individuals affected with PLXNA2-related conditions. In summary, the available evidence is currently insufficient to determine the role of this variant in disease. Therefore, it has been classified as a Variant of Uncertain Significance. Advanced modeling of protein sequence and biophysical properties (such as structural, functional, and spatial information, amino acid conservation, physicochemical variation, residue mobility, and thermodynamic stability) performed at Invitae indicates that this missense variant is not expected to disrupt PLXNA2 protein function.